The following is an entry in ClinVar:

ClinVar aggregate classification (germline): Uncertain significance (1 of 4 stars; one submission).

Conditions:
Infantile spasms. Also called: Infantile spasm. Identifiers: MedGen C3887898, HP:0012469.

Allele frequency attached by ClinVar (database versions not stated): TOPMed below 0.00001; gnomAD 0.00001.
gnomAD v4.1: 4 of 1,613,964 alleles (0.00025%); highest among the groups gnomAD compares: Admixed American, 0.0017%; no homozygotes.

Submission:

Labcorp Genetics (formerly Invitae), Labcorp
Classification: Uncertain significance for Infantile spasms. Last evaluated: 2022-07-09. Review status: criteria provided, single submitter. Criteria: Invitae Variant Classification Sherloc (09022015). Collection method: clinical testing. Allele origin: germline.
Comment: This sequence change replaces aspartic acid, which is acidic and polar, with asparagine, which is neutral and polar, at codon 216 of the PIK3AP1 protein (p.Asp216Asn). In summary, the available evidence is currently insufficient to determine the role of this variant in disease. Therefore, it has been classified as a Variant of Uncertain Significance. Algorithms developed to predict the effect of missense changes on protein structure and function output the following: SIFT: "Tolerated"; PolyPhen-2: "Benign"; Align-GVGD: "Class C0". The asparagine amino acid residue is found in multiple mammalian species, which suggests that this missense change does not adversely affect protein function. This variant has not been reported in the literature in individuals affected with PIK3AP1-related conditions. This variant is present in population databases (no rsID available, gnomAD 0.003%).

NM_152309.3(PIK3AP1):c.646G>A (p.Asp216Asn)

Gene: PIK3AP1 (phosphoinositide-3-kinase adaptor protein 1; minus strand). Cytogenetic location: 10q24.1.
Variant type: single nucleotide variant.
Coding change: c.646G>A on transcript NM_152309.3 (MANE Select); coding-DNA position 646, G replaced by A.
Protein change: p.Asp216Asn; replaces aspartic acid 216 with asparagine.
Molecular consequence: missense variant.
Genome position (GRCh38, 1-based): chr10:96,652,764, C>T on the plus strand (G>A on the coding strand, the complement: PIK3AP1 is on the minus strand). VCF-style: chr10-96652764-C-T. GRCh37 (hg19) VCF-style: chr10-98412521-C-T.
Other names: short protein forms D216N.
Identifiers: ClinVar variation 2015416 (VCV002015416.4), dbSNP rs1434053170, ClinGen allele CA377747797.